The following is an entry in ClinVar:

ClinVar aggregate classification (germline): Pathogenic. Review status: criteria provided, multiple submitters, no conflicts (2 of 4 stars). 5 submissions from 5 submitters: Pathogenic (4). 1 of the submissions does not count toward it. Last evaluated 2025-09-23.

Conditions:
Cardiovascular phenotype. Identifiers: MedGen CN230736.
KCNH2-related disorder. Also called: KCNH2-related disorders; KCNH2-related condition.
Familial long QT syndrome (RWS). Also called: Congenital long QT syndrome; Romano-Ward syndrome; VENTRICULAR FIBRILLATION WITH PROLONGED QT INTERVAL. Identifiers: Orphanet 768, MedGen C1141890, MONDO:0019171.
Long QT syndrome (LQTS). Identifiers: MedGen C0023976, MeSH D008133, MONDO:0002442. Disease mechanism: loss of function. Inheritance: Various modes of inheritance.

Allele frequency attached by ClinVar (database versions not stated): TOPMed below 0.00001.
gnomAD v4.1: 4 of 1,589,886 alleles (0.00025%); highest among the groups gnomAD compares: Non-Finnish European, 0.00034%; no homozygotes.

Submissions (5):

Labcorp Genetics (formerly Invitae), Labcorp
Classification: Pathogenic for Long QT syndrome. Last evaluated: 2025-09-23. Review status: criteria provided, single submitter. Criteria: Invitae Variant Classification Sherloc (09022015). Collection method: clinical testing. Allele origin: germline.
Comment: This sequence change replaces arginine, which is basic and polar, with cysteine, which is neutral and slightly polar, at codon 534 of the KCNH2 protein (p.Arg534Cys). This variant is not present in population databases (gnomAD no frequency). This missense change has been observed in individuals with long QT syndrome (PMID: 9600240, 11668638, 18441445, 21308345, 22949429). ClinVar contains an entry for this variant (Variation ID: 67220). An algorithm developed to predict the effect of missense changes on protein structure and function (PolyPhen-2) suggests that this variant is likely to be disruptive. Experimental studies have shown that this missense change affects KCNH2 function (PMID: 10690305, 16432067, 23303164). For these reasons, this variant has been classified as Pathogenic.

Blueprint Genetics
Classification: Pathogenic for KCNH2-related disorders. Last evaluated: 2024-06-04. Review status: criteria provided, single submitter. Criteria: ACMG Guidelines, 2015. Collection method: clinical testing. Allele origin: germline. Affected: yes. Observed: 3 variant alleles.

Ambry Genetics
Classification: Pathogenic for Cardiovascular phenotype. Last evaluated: 2020-06-26. Review status: criteria provided, single submitter. Criteria: Ambry Variant Classification Scheme 2023. Collection method: clinical testing. Allele origin: germline.
Comment: The p.R534C pathogenic mutation (also known as c.1600C>T), located in coding exon 7 of the KCNH2 gene, results from a C to T substitution at nucleotide position 1600. The arginine at codon 534 is replaced by cysteine, an amino acid with highly dissimilar properties, and is located in the S4 domain. This mutation has been detected in several unrelated individuals with long QT syndrome as well as in individuals from multiple LQTS cohorts, and has been reported to segregate with disease in families (Itoh T et al. Hum. Genet., 1998 Apr;102:435-9; Nakajima T et al. Cardiovasc. Res., 1999 Nov;44:283-93; Hayashi K et al. Jpn Heart J, 2000 May;41:399-404; Chung SK et al. Heart Rhythm, 2007 Oct;4:1306-14; Ernesto C et al. Arq. Bras. Cardiol., 2011 Mar;96:172-8; Giudicessi JR et al. Circ Cardiovasc Genet, 2012 Oct;5:519-28; Seethala S et al. J Am Heart Assoc, 2015 Dec;4). In addition, in vitro and in vivo functional assays have indicated this variant to result in deficient protein trafficking and/or altered ion channel function (Nakajima T et al. Cardiovasc. Res., 1999 Nov;44:283-93; Anderson CL et al. Circulation, 2006 Jan;113:365-73; Jou CJ et al. Circ. Res., 2013 Mar;112:826-30; Mesquita FCP et al. Sci Rep, 2019 12;9:19203). Based on the supporting evidence, this alteration is interpreted as a disease-causing mutation.

GeneDx
Classification: Pathogenic. Last evaluated: 2020-02-11. Review status: criteria provided, single submitter. Criteria: GeneDx Variant Classification Process June 2021. Collection method: clinical testing. Allele origin: germline. Affected: yes.
Comment: Reported in ClinVar as a pathogenic variant (ClinVar Variant ID# 67220; Landrum et al., 2016); In silico analysis supports that this missense variant has a deleterious effect on protein structure/function; Published functional studies demonstrate a damaging effect as this variant alters the activation and deactivation kinetics, as well as voltage-dependence of inactivation of the potassium channel (Nakajiima et al., 1999); This variant is associated with the following publications: (PMID: 31844156, 10690305, 23303164, 9600240, 15840476, 18441445, 18752142, 19716085, 19694797, 21308345, 22949429, 15545400, 16432067, 11468227, 10987356, 17905336, 19841300, 30847666)

Cardiovascular Biomedical Research Unit, Royal Brompton & Harefield NHS Foundation Trust
No classification provided. Condition: Familial long QT syndrome. Review status: no classification provided. Collection method: literature only. Allele origin: germline. Not counted in ClinVar's aggregate classification.
Comment: This variant has been reported as associated with Long QT syndrome in the following publications (PMID:9600240;PMID:10690305;PMID:10987356;PMID:11468227;PMID:15840476;PMID:16432067;PMID:16831322;PMID:17905336;PMID:18441445;PMID:18752142;PMID:19716085;PMID:19841300). This is a literature report, and does not necessarily reflect the clinical interpretation of the Imperial College / Royal Brompton Cardiovascular Genetics laboratory.

Literature cited by the submitters: PubMed 9600240 (cited by 3 submitters); PubMed 11668638 (cited by Labcorp Genetics (formerly Invitae), Labcorp and Ambry Genetics); PubMed 18441445 (cited by 3 submitters); PubMed 21308345 (cited by Labcorp Genetics (formerly Invitae), Labcorp and Ambry Genetics); PubMed 22949429 (cited by Labcorp Genetics (formerly Invitae), Labcorp and Ambry Genetics); PubMed 10690305 (cited by 3 submitters); PubMed 16432067 (cited by 3 submitters); PubMed 23303164 (cited by Labcorp Genetics (formerly Invitae), Labcorp and Ambry Genetics); PubMed 10987356 (cited by Ambry Genetics and Cardiovascular Biomedical Research Unit, Royal Brompton & Harefield NHS Foundation Trust); PubMed 15545400 (cited by Ambry Genetics); PubMed 15840476 (cited by Ambry Genetics and Cardiovascular Biomedical Research Unit, Royal Brompton & Harefield NHS Foundation Trust); PubMed 16831322 (cited by Ambry Genetics and Cardiovascular Biomedical Research Unit, Royal Brompton & Harefield NHS Foundation Trust); PubMed 17905336 (cited by Ambry Genetics and Cardiovascular Biomedical Research Unit, Royal Brompton & Harefield NHS Foundation Trust); PubMed 19694797 (cited by Ambry Genetics); PubMed 20544339 (cited by Ambry Genetics); PubMed 20670193 (cited by Ambry Genetics); PubMed 22727609 (cited by Ambry Genetics); PubMed 23546015 (cited by Ambry Genetics); PubMed 26675252 (cited by Ambry Genetics); PubMed 27064559 (cited by Ambry Genetics); PubMed 27251404 (cited by Ambry Genetics); PubMed 30123799 (cited by Ambry Genetics); PubMed 31844156 (cited by Ambry Genetics); PubMed 32311972 (cited by Ambry Genetics); PubMed 11468227 (cited by Cardiovascular Biomedical Research Unit, Royal Brompton & Harefield NHS Foundation Trust); PubMed 18752142 (cited by Cardiovascular Biomedical Research Unit, Royal Brompton & Harefield NHS Foundation Trust); PubMed 19716085 (cited by Cardiovascular Biomedical Research Unit, Royal Brompton & Harefield NHS Foundation Trust); PubMed 19841300 (cited by Cardiovascular Biomedical Research Unit, Royal Brompton & Harefield NHS Foundation Trust); PubMed 22581653 (cited by Cardiovascular Biomedical Research Unit, Royal Brompton & Harefield NHS Foundation Trust).

NM_000238.4(KCNH2):c.1600C>T (p.Arg534Cys)

Gene: KCNH2 (potassium voltage-gated channel subfamily H member 2; minus strand). Cytogenetic location: 7q36.1.
Variant type: single nucleotide variant.
Coding change: c.1600C>T on transcript NM_000238.4 (MANE Select); coding-DNA position 1600, C replaced by T.
Protein change: p.Arg534Cys; replaces arginine 534 with cysteine.
Molecular consequence: missense variant.
Genome position (GRCh38, 1-based): chr7:150,951,793, G>A on the plus strand (C>T on the coding strand, the complement: KCNH2 is on the minus strand). VCF-style: chr7-150951793-G-A. GRCh37 (hg19) VCF-style: chr7-150648881-G-A.
Other names: p.R534C:CGC>TGC; c.1600C>T (LRG_288t1); c.580C>T, p.Arg194Cys (NM_001204798.2, NM_172057.3); c.1312C>T, p.Arg438Cys (NM_001406753.1, NM_001406756.1); c.1423C>T, p.Arg475Cys (NM_001406755.1); c.1300C>T, p.Arg434Cys (NM_001406757.1); c.1600C>T, p.Arg534Cys (NM_172056.3); short protein forms R194C, R534C, R434C, R475C, R438C.
Identifiers: ClinVar variation 67220 (VCV000067220.14), dbSNP rs199472916, ClinGen allele CA004904.